The following is an entry in ClinVar:

NM_001999.4(FBN2):c.3790T>A (p.Tyr1264Asn)

Gene: FBN2 (fibrillin 2; minus strand). Cytogenetic location: 5q23.3.
Variant type: single nucleotide variant.
Coding change: c.3790T>A on transcript NM_001999.4 (MANE Select); coding-DNA position 3790, T replaced by A.
Protein change: p.Tyr1264Asn; replaces tyrosine 1264 with asparagine.
Molecular consequence: missense variant.
Genome position (GRCh38, 1-based): chr5:128,335,512, A>T on the plus strand (T>A on the coding strand, the complement: FBN2 is on the minus strand). VCF-style: chr5-128335512-A-T. GRCh37 (hg19) VCF-style: chr5-127671204-A-T.
Other names: short protein forms Y1264N.
Identifiers: ClinVar variation 2753461 (VCV002753461.3), dbSNP rs2479801813, ClinGen allele CA360758020.

ClinVar aggregate classification (germline): Uncertain significance (1 of 4 stars; one submission).

Conditions:
Congenital contractural arachnodactyly (CCA). Also called: BEALS SYNDROME; Beals-Hecht syndrome; Arthrogryposis, distal, type 9. Identifiers: Orphanet 115, MedGen C0220668, MONDO:0007363, OMIM 121050.

Submission:

Labcorp Genetics (formerly Invitae), Labcorp
Classification: Uncertain significance for Congenital contractural arachnodactyly. Last evaluated: 2023-08-17. Review status: criteria provided, single submitter. Criteria: Invitae Variant Classification Sherloc (09022015). Collection method: clinical testing. Allele origin: germline.
Comment: In summary, the available evidence is currently insufficient to determine the role of this variant in disease. Therefore, it has been classified as a Variant of Uncertain Significance. Advanced modeling of protein sequence and biophysical properties (such as structural, functional, and spatial information, amino acid conservation, physicochemical variation, residue mobility, and thermodynamic stability) performed at Invitae indicates that this missense variant is expected to disrupt FBN2 protein function. This variant has not been reported in the literature in individuals affected with FBN2-related conditions. This variant is not present in population databases (gnomAD no frequency). This sequence change replaces tyrosine, which is neutral and polar, with asparagine, which is neutral and polar, at codon 1264 of the FBN2 protein (p.Tyr1264Asn).